The following is an entry in ClinVar:

ClinVar aggregate classification (germline): Likely benign. Review status: criteria provided, multiple submitters, no conflicts (2 of 4 stars). 4 submissions from 4 submitters: Likely benign (4). Last evaluated 2026-01-24.

Allele frequency attached by ClinVar (database versions not stated): ESP Exome Variant Server 0.00008; gnomAD 0.00009 and 0.00011; ExAC 0.00013; gnomAD exomes 0.00016 and 0.00017; TOPMed 0.00019.
gnomAD v4.1: 286 of 1,614,050 alleles (0.018%); highest among the groups gnomAD compares: Middle Eastern, 0.18%; no homozygotes.

Submissions (4):

Labcorp Genetics (formerly Invitae), Labcorp
Classification: Likely benign. Last evaluated: 2026-01-24. Review status: criteria provided, single submitter. Criteria: Invitae Variant Classification Sherloc (09022015). Collection method: clinical testing. Allele origin: germline.

Blueprint Genetics
Classification: Likely benign. Last evaluated: 2024-09-19. Review status: criteria provided, single submitter. Criteria: ACMG Guidelines, 2015. Collection method: clinical testing. Allele origin: germline.

CeGaT Center for Human Genetics Tuebingen
Classification: Likely benign. Last evaluated: 2022-06-01. Review status: criteria provided, single submitter. Criteria: CeGaT Center For Human Genetics Tuebingen Variant Classification Criteria Version 2. Collection method: clinical testing. Allele origin: germline. Affected: yes. Observed: 1 variant allele.
Comment: CACNA1D: BP4, BP7

Laboratory for Molecular Medicine, Mass General Brigham Personalized Medicine
Classification: Likely benign. Last evaluated: 2014-11-24. Review status: criteria provided, single submitter. Criteria: LMM Criteria. Collection method: clinical testing. Allele origin: germline. Observed: 2 variant alleles.
Comment: Asn44Asn in exon 2 of CACNA1D: This variant is not expected to have clinical sig nificance because it does not alter an amino acid residue and is not located wit hin the splice consensus sequence. It has been identified in 1/8600 European Ame rican chromosomes from a broad population by the NHLBI Exome Sequencing Project.

NM_001128840.3(CACNA1D):c.132T>C (p.Asn44=)

Gene: CACNA1D (calcium voltage-gated channel subunit alpha1 D; plus strand). Cytogenetic location: 3p21.1.
Variant type: single nucleotide variant.
Coding change: c.132T>C on transcript NM_001128840.3 (MANE Select); coding-DNA position 132, T replaced by C.
Protein change: p.Asn44=; no amino-acid change (asparagine 44 retained).
Molecular consequence: synonymous variant.
Genome position (GRCh38, 1-based): chr3:53,497,216, T>C. VCF-style: chr3-53497216-T-C. GRCh37 (hg19) VCF-style: chr3-53531243-T-C.
Other names: c.132T>C, p.Asn44= (NM_000720.4, NM_001128839.3).
Identifiers: ClinVar variation 667074 (VCV000667074.36), dbSNP rs377363390, ClinGen allele CA2453629.
Genomic context (GRCh38, chr3:53,497,216, plus strand): 5'-AAACTATGCAAGAGGCACCAGACTTCCTCTTTCTGGTGAAGGACCAACTTCTCAGCCGAA[T>C]AGCTCCAAGCAAACTGTCCTGTCTTGGCAAGCTGCAATCGATGCTGCTAGACAGGCCAAG-3'
Protein context (NP_001122312.1, residues 34-54): LSGEGPTSQP[Asn44=]SSKQTVLSWQ